The following is an entry in ClinVar:

NM_005915.6(MCM6):c.513G>A (p.Gln171=)

Gene: MCM6 (minichromosome maintenance complex component 6; minus strand). Cytogenetic location: 2q21.3.
Variant type: single nucleotide variant.
Coding change: c.513G>A on transcript NM_005915.6 (MANE Select); coding-DNA position 513, G replaced by A.
Protein change: p.Gln171=; no amino-acid change (glutamine 171 retained).
Molecular consequence: synonymous variant.
Genome position (GRCh38, 1-based): chr2:135,868,713, C>T on the plus strand (G>A on the coding strand, the complement: MCM6 is on the minus strand). VCF-style: chr2-135868713-C-T. GRCh37 (hg19) VCF-style: chr2-136626283-C-T.
Identifiers: ClinVar variation 2651381 (VCV002651381.24), dbSNP rs146507564, ClinGen allele CA1889255.

ClinVar aggregate classification (germline): Likely benign (1 of 4 stars; one submission).

Allele frequency attached by ClinVar (database versions not stated): ESP Exome Variant Server 0.00015; gnomAD 0.00019; ExAC 0.00028; gnomAD exomes 0.00029; TOPMed 0.00030.
gnomAD v4.1: 444 of 1,614,156 alleles (0.028%); highest among the groups gnomAD compares: Middle Eastern, 0.16%; 1 homozygote.

Submission:

CeGaT Center for Human Genetics Tuebingen
Classification: Likely benign. Last evaluated: 2022-07-01. Review status: criteria provided, single submitter. Criteria: CeGaT Center For Human Genetics Tuebingen Variant Classification Criteria Version 2. Collection method: clinical testing. Allele origin: germline. Affected: yes. Observed: 1 variant allele.
Comment: MCM6: BP4, BP7